The following is an entry in ClinVar:

ClinVar aggregate classification (germline): Uncertain significance (1 of 4 stars; one submission).

Allele frequency attached by ClinVar (database versions not stated): gnomAD exomes below 0.00001 and 0.00001.
gnomAD v4.1: 3 of 1,551,426 alleles (0.00019%); highest among the groups gnomAD compares: East Asian, 0.0024%; no homozygotes.

Submission:

Labcorp Genetics (formerly Invitae), Labcorp
Classification: Uncertain significance. Last evaluated: 2022-10-24. Review status: criteria provided, single submitter. Criteria: Invitae Variant Classification Sherloc (09022015). Collection method: clinical testing. Allele origin: germline.
Comment: In summary, the available evidence is currently insufficient to determine the role of this variant in disease. Therefore, it has been classified as a Variant of Uncertain Significance. Algorithms developed to predict the effect of missense changes on protein structure and function output the following: SIFT: "Tolerated"; PolyPhen-2: "Benign"; Align-GVGD: "Class C0". The threonine amino acid residue is found in multiple mammalian species, which suggests that this missense change does not adversely affect protein function. ClinVar contains an entry for this variant (Variation ID: 1474754). This variant has not been reported in the literature in individuals affected with EYS-related conditions. This variant is present in population databases (no rsID available, gnomAD 0.004%). This sequence change replaces isoleucine, which is neutral and non-polar, with threonine, which is neutral and polar, at codon 2778 of the EYS protein (p.Ile2778Thr).

NM_001142800.2(EYS):c.8333T>C (p.Ile2778Thr)

Genes: EYS (EGF-like photoreceptor maintenance factor; minus strand), PHF3 (PHD finger protein 3; plus strand). Cytogenetic location: 6q12.
Variant type: single nucleotide variant.
Coding change: c.8333T>C on transcript NM_001142800.2 (MANE Select); coding-DNA position 8333, T replaced by C.
Protein change: p.Ile2778Thr; replaces isoleucine 2778 with threonine.
Molecular consequence: missense variant. On other transcripts: 3 prime UTR variant (5).
Genome position (GRCh38, 1-based): chr6:63,721,698, A>G on the plus strand (T>C on the coding strand, the complement: EYS is on the minus strand). VCF-style: chr6-63721698-A-G. GRCh37 (hg19) VCF-style: chr6-64431594-A-G.
Other names: c.*7990A>G (NM_001290259.2, NM_001370348.2, NM_001370349.2 and 2 more transcripts); c.8396T>C, p.Ile2799Thr (NM_001292009.2); short protein forms I2778T, I2799T.
Identifiers: ClinVar variation 1474754 (VCV001474754.8), dbSNP rs1446306770, ClinGen allele CA364385168.